The following is an entry in ClinVar:

NM_001382430.1(AKT1):c.746G>A (p.Arg249Gln)

Gene: AKT1 (AKT serine/threonine kinase 1; minus strand). Cytogenetic location: 14q32.33.
Variant type: single nucleotide variant.
Coding change: c.746G>A on transcript NM_001382430.1 (MANE Select); coding-DNA position 746, G replaced by A.
Protein change: p.Arg249Gln; replaces arginine 249 with glutamine.
Molecular consequence: missense variant.
Genome position (GRCh38, 1-based): chr14:104,773,537, C>T on the plus strand (G>A on the coding strand, the complement: AKT1 is on the minus strand). VCF-style: chr14-104773537-C-T. GRCh37 (hg19) VCF-style: chr14-105239874-C-T.
Other names: c.746G>A, p.Arg249Gln (NM_001014431.2, NM_001014432.2, NM_001382431.1 and 3 more transcripts); short protein forms R249Q.
Identifiers: ClinVar variation 1421080 (VCV001421080.8), dbSNP rs745809388, ClinGen allele CA7374652.

ClinVar aggregate classification (germline): Uncertain significance. Review status: criteria provided, multiple submitters, no conflicts (2 of 4 stars). 2 submissions from 2 submitters: Uncertain significance (2). Last evaluated 2022-07-19.

Conditions:
Cowden syndrome 6 (CWS6). Identifiers: Orphanet 201, MedGen C3554519, MONDO:0014048, OMIM 615109.
Inborn genetic diseases. Identifiers: MedGen C0950123, MeSH D030342.

Allele frequency attached by ClinVar (database versions not stated): gnomAD exomes 0.00001; ExAC 0.00002.
gnomAD v4.1: 3 of 1,611,798 alleles (0.00019%); highest among the groups gnomAD compares: South Asian, 0.0022%; no homozygotes.

Submissions (2):

Labcorp Genetics (formerly Invitae), Labcorp
Classification: Uncertain significance for Cowden syndrome 6. Last evaluated: 2022-07-19. Review status: criteria provided, single submitter. Criteria: Invitae Variant Classification Sherloc (09022015). Collection method: clinical testing. Allele origin: germline.
Comment: In summary, the available evidence is currently insufficient to determine the role of this variant in disease. Therefore, it has been classified as a Variant of Uncertain Significance. Algorithms developed to predict the effect of missense changes on protein structure and function (SIFT, PolyPhen-2, Align-GVGD) all suggest that this variant is likely to be disruptive. ClinVar contains an entry for this variant (Variation ID: 1421080). This variant has not been reported in the literature in individuals affected with AKT1-related conditions. The frequency data for this variant in the population databases is considered unreliable, as metrics indicate poor data quality at this position in the gnomAD database. This sequence change replaces arginine, which is basic and polar, with glutamine, which is neutral and polar, at codon 249 of the AKT1 protein (p.Arg249Gln).

Ambry Genetics
Classification: Uncertain significance for Inborn genetic diseases. Last evaluated: 2022-03-27. Review status: criteria provided, single submitter. Criteria: Ambry Variant Classification Scheme 2023. Collection method: clinical testing. Allele origin: germline.
Comment: The p.R249Q variant (also known as c.746G>A), located in coding exon 8 of the AKT1 gene, results from a G to A substitution at nucleotide position 746. The arginine at codon 249 is replaced by glutamine, an amino acid with highly similar properties. This amino acid position is conserved. In addition, the in silico prediction for this alteration is inconclusive. Since supporting evidence is limited at this time, the clinical significance of this alteration remains unclear.